The following is an entry in ClinVar:

NM_001174147.2(LMX1B):c.224C>G (p.Ser75Cys)

Gene: LMX1B (LIM homeobox transcription factor 1 beta; plus strand). Cytogenetic location: 9q33.3.
Variant type: single nucleotide variant.
Coding change: c.224C>G on transcript NM_001174147.2 (MANE Select); coding-DNA position 224, C replaced by G.
Protein change: p.Ser75Cys; replaces serine 75 with cysteine.
Molecular consequence: missense variant.
Genome position (GRCh38, 1-based): chr9:126,615,467, C>G. VCF-style: chr9-126615467-C-G. GRCh37 (hg19) VCF-style: chr9-129377746-C-G.
Other names: c.224C>G (NM_002316.3); c.224C>G, p.Ser75Cys (NM_001174146.2, NM_002316.4); short protein forms S75C.
Identifiers: ClinVar variation 2873007 (VCV002873007.4), dbSNP rs2235058, ClinGen allele CA374910024.

ClinVar aggregate classification (germline): Uncertain significance. Review status: criteria provided, multiple submitters, no conflicts (2 of 4 stars). 2 submissions from 2 submitters: Uncertain significance (2). Last evaluated 2025-12-24.

Conditions:
Inborn genetic diseases. Identifiers: MedGen C0950123, MeSH D030342.

Submissions (2):

Ambry Genetics
Classification: Uncertain significance for Inborn genetic diseases. Last evaluated: 2025-12-24. Review status: criteria provided, single submitter. Criteria: Ambry Variant Classification Scheme 2023. Collection method: clinical testing. Allele origin: germline.

Labcorp Genetics (formerly Invitae), Labcorp
Classification: Uncertain significance. Last evaluated: 2023-03-26. Review status: criteria provided, single submitter. Criteria: Invitae Variant Classification Sherloc (09022015). Collection method: clinical testing. Allele origin: germline.
Comment: In summary, the available evidence is currently insufficient to determine the role of this variant in disease. Therefore, it has been classified as a Variant of Uncertain Significance. Advanced modeling of protein sequence and biophysical properties (such as structural, functional, and spatial information, amino acid conservation, physicochemical variation, residue mobility, and thermodynamic stability) performed at Invitae indicates that this missense variant is not expected to disrupt LMX1B protein function. This variant has not been reported in the literature in individuals affected with LMX1B-related conditions. This variant is not present in population databases (gnomAD no frequency). This sequence change replaces serine, which is neutral and polar, with cysteine, which is neutral and slightly polar, at codon 75 of the LMX1B protein (p.Ser75Cys).